The following is an entry in ClinVar:

NM_019842.4(KCNQ5):c.1710-3T>C

Gene: KCNQ5 (potassium voltage-gated channel subfamily Q member 5; plus strand). Cytogenetic location: 6q13.
Variant type: single nucleotide variant.
Coding change: c.1710-3T>C on transcript NM_019842.4 (MANE Select); 3 bases into the intron before coding-DNA position 1710, T replaced by C.
Molecular consequence: intron variant.
Genome position (GRCh38, 1-based): chr6:73,192,562, T>C. VCF-style: chr6-73192562-T-C. GRCh37 (hg19) VCF-style: chr6-73902285-T-C.
Other names: c.1767-3T>C (NM_001160133.2); c.1380-3T>C (NM_001160134.2); c.1740-3T>C (NM_001160132.2); c.1683-3T>C (NM_001160130.2).
Identifiers: ClinVar variation 1374647 (VCV001374647.23), dbSNP rs756540036, ClinGen allele CA3887140.
Genomic context (GRCh38, chr6:73,192,562, plus strand): 5'-ATTCTGACCTAGGGCAATCTCCACCTTCAGCCCTCATAATCAGATCTCCTCTTTCTCTGA[T>C]AGTGTTGATCAAATTCTTGGAAAAGGGCAAATCACATCAGATAAGAAGAGCCGAGAGAAA-3'

ClinVar aggregate classification (germline): Likely benign. Review status: criteria provided, multiple submitters, no conflicts (2 of 4 stars). 2 submissions from 2 submitters: Likely benign (2). Last evaluated 2025-08-18.

Allele frequency attached by ClinVar (database versions not stated): ExAC 0.00001; gnomAD 0.00001; gnomAD exomes 0.00001; TOPMed 0.00001.
gnomAD v4.1: 14 of 1,606,324 alleles (0.00087%); highest among the groups gnomAD compares: Non-Finnish European, 0.0011%; no homozygotes.

Submissions (2):

Labcorp Genetics (formerly Invitae), Labcorp
Classification: Likely benign. Last evaluated: 2025-08-18. Review status: criteria provided, single submitter. Criteria: Invitae Variant Classification Sherloc (09022015). Collection method: clinical testing. Allele origin: germline.

CeGaT Center for Human Genetics Tuebingen
Classification: Likely benign. Last evaluated: 2024-07-01. Review status: criteria provided, single submitter. Criteria: CeGaT Center For Human Genetics Tuebingen Variant Classification Criteria Version 2. Collection method: clinical testing. Allele origin: germline. Affected: yes. Observed: 1 variant allele.
Comment: KCNQ5: BP4